The following is an entry in ClinVar:

ClinVar aggregate classification (germline): Likely benign. Review status: criteria provided, multiple submitters, no conflicts (2 of 4 stars). 4 submissions from 4 submitters: Likely benign (3). 1 of the submissions does not count toward it. Last evaluated 2025-08-18.

Conditions:
RECQL-related disorder. Also called: RECQL-related condition.

Allele frequency attached by ClinVar (database versions not stated): gnomAD exomes 0.00002 and 0.00006; ExAC 0.00007; gnomAD 0.00019 and 0.00025; TOPMed 0.00023; ESP Exome Variant Server 0.00046.

Submissions (4):

Labcorp Genetics (formerly Invitae), Labcorp
Classification: Likely benign. Last evaluated: 2025-08-18. Review status: criteria provided, single submitter. Criteria: Invitae Variant Classification Sherloc (09022015). Collection method: clinical testing. Allele origin: germline.

Ambry Genetics
Classification: Likely benign. Last evaluated: 2022-02-17. Review status: criteria provided, single submitter. Criteria: Ambry Variant Classification Scheme 2023. Collection method: clinical testing. Allele origin: germline.

GeneDx
Classification: Likely benign. Last evaluated: 2019-09-03. Review status: criteria provided, single submitter. Criteria: GeneDx Variant Classification Process June 2021. Collection method: clinical testing. Allele origin: germline. Affected: yes.

PreventionGenetics, part of Exact Sciences
Classification: Likely benign for RECQL-related condition. Last evaluated: 2022-05-04. Review status: no assertion criteria provided. Collection method: clinical testing. Allele origin: germline. Not counted in ClinVar's aggregate classification.
Comment: This variant is classified as likely benign based on ACMG/AMP sequence variant interpretation guidelines (Richards et al. 2015 PMID: 25741868, with internal and published modifications).

NM_002907.4(RECQL):c.1020T>C (p.His340=)

Gene: RECQL (RecQ like helicase; minus strand). Cytogenetic location: 12p12.1.
Variant type: single nucleotide variant.
Coding change: c.1020T>C on transcript NM_002907.4 (MANE Select); coding-DNA position 1020, T replaced by C.
Protein change: p.His340=; no amino-acid change (histidine 340 retained).
Molecular consequence: synonymous variant.
Genome position (GRCh38, 1-based): chr12:21,475,754, A>G on the plus strand (T>C on the coding strand, the complement: RECQL is on the minus strand). VCF-style: chr12-21475754-A-G. GRCh37 (hg19) VCF-style: chr12-21628688-A-G.
Other names: c.1020T>C, p.His340= (NM_032941.3).
Identifiers: ClinVar variation 515568 (VCV000515568.17), dbSNP rs141567619, ClinGen allele CA6478882.